The following is an entry in ClinVar:

ClinVar aggregate classification (germline): Uncertain significance (1 of 4 stars; one submission).

Conditions:
MHC class I deficiency. Identifiers: Orphanet 34592, MedGen C6024714, MONDO:0011476.

Submission:

Labcorp Genetics (formerly Invitae), Labcorp
Classification: Uncertain significance for MHC class I deficiency 1. Last evaluated: 2022-10-25. Review status: criteria provided, single submitter. Criteria: Invitae Variant Classification Sherloc (09022015). Collection method: clinical testing. Allele origin: germline.
Comment: This sequence change falls in intron 11 of the TAP2 gene. It does not directly change the encoded amino acid sequence of the TAP2 protein. This variant is present in population databases (rs765798343, gnomAD 0.02%). This variant has not been reported in the literature in individuals affected with TAP2-related conditions. ClinVar contains an entry for this variant (Variation ID: 657703). Algorithms developed to predict the effect of sequence changes on RNA splicing suggest that this variant may disrupt the consensus splice site. In summary, the available evidence is currently insufficient to determine the role of this variant in disease. Therefore, it has been classified as a Variant of Uncertain Significance.

NM_001290043.2(TAP2):c.1933-6_1933-3del

Gene: TAP2 (transporter 2, ATP binding cassette subfamily B member; minus strand). Cytogenetic location: 6p21.32.
Variant type: Deletion.
Coding change: c.1933-6_1933-3del on transcript NM_001290043.2 (MANE Select); 6 bases into the intron before coding-DNA position 1933 through 3 bases into the intron before coding-DNA position 1933, 4 bases deleted (CTTC; older notation c.1933-6_1933-3delCTTC).
Molecular consequence: intron variant.
Genome position (GRCh38, 1-based): chr6:32,829,037-32,829,040, GAAG deleted on the plus strand (CTTC on the coding strand, the reverse complement: TAP2 is on the minus strand); deleting any 4 consecutive bases within chr6:32,829,037-32,829,041 gives the same sequence; the c. name uses the placement nearest the transcript's 3' end. VCF-style (leftmost placement, unchanged base first): chr6-32829036-TGAAG-T. GRCh37 (hg19) VCF-style: chr6-32796813-TGAAG-T.
Other names: c.1933-6_1933-3del (NM_000544.3); c.1932+360_1932+363del (NM_018833.3).
Identifiers: ClinVar variation 657703 (VCV000657703.6), dbSNP rs765798343, ClinGen allele CA3745747.